The following is an entry in ClinVar:

NM_001367624.2(ZNF469):c.10309A>G (p.Met3437Val)

Gene: ZNF469 (zinc finger protein 469; plus strand). Cytogenetic location: 16q24.2.
Variant type: single nucleotide variant.
Coding change: c.10309A>G on transcript NM_001367624.2 (MANE Select); coding-DNA position 10309, A replaced by G.
Protein change: p.Met3437Val; replaces methionine 3437 with valine.
Molecular consequence: missense variant.
Genome position (GRCh38, 1-based): chr16:88,437,779, A>G. VCF-style: chr16-88437779-A-G. GRCh37 (hg19) VCF-style: chr16-88504187-A-G.
Other names: short protein forms M3437V.
Identifiers: ClinVar variation 1933460 (VCV001933460.3), dbSNP rs779327196, ClinGen allele CA8225491.
Genomic context (GRCh38, chr16:88,437,779, plus strand): 5'-TCCTTCGCCTGCAGCTCCTGCAACTACACCTTCGCCAAGAAGGAGCAGTTCGACCGCCAC[A>G]TGAACAAGCACCTCAGGGGGGGGCGGCAGCCCTTCGCGTTCCGCGGCGTGCGGAGGCCGG-3'
Protein context (NP_001354553.1, residues 3427-3447): FAKKEQFDRH[Met3437Val]NKHLRGGRQP

ClinVar aggregate classification (germline): Uncertain significance. Review status: criteria provided, multiple submitters, no conflicts (2 of 4 stars). 2 submissions from 2 submitters: Uncertain significance (2). Last evaluated 2026-05-11.

Allele frequency attached by ClinVar (database versions not stated): gnomAD exomes below 0.00001; ExAC 0.00008; TOPMed 0.00001.
gnomAD v4.1: 4 of 1,549,438 alleles (0.00026%); highest among the groups gnomAD compares: South Asian, 0.0012%; no homozygotes.

Submissions (2):

Women's Health and Genetics/Laboratory Corporation of America, LabCorp
Classification: Uncertain significance. Last evaluated: 2026-05-11. Review status: criteria provided, single submitter. Criteria: LabCorp Variant Classification Summary - May 2015. Collection method: clinical testing. Allele origin: germline.
Comment: Variant summary: ZNF469 c.10309A>G (p.Met3437Val) results in a conservative amino acid change in the encoded protein sequence. Algorithms developed to predict the effect of missense changes on protein structure and function are either unavailable or do not agree on the potential impact of this missense change. The variant allele was found at a frequency of 6.9e-06 in 145806 control chromosomes. The available data on variant occurrences in the general population are insufficient to allow any conclusion about variant significance. To our knowledge, no occurrence of c.10309A>G in individuals affected with ZNF469-related conditions and no experimental evidence demonstrating its impact on protein function have been reported. ClinVar contains an entry for this variant (Variation ID: 1933460). Based on the evidence outlined above, the variant was classified as uncertain significance.

Labcorp Genetics (formerly Invitae), Labcorp
Classification: Uncertain significance. Last evaluated: 2022-07-29. Review status: criteria provided, single submitter. Criteria: Invitae Variant Classification Sherloc (09022015). Collection method: clinical testing. Allele origin: germline.
Comment: This sequence change replaces methionine, which is neutral and non-polar, with valine, which is neutral and non-polar, at codon 3409 of the ZNF469 protein (p.Met3409Val). This variant is present in population databases (rs779327196, gnomAD 0.004%). This variant has not been reported in the literature in individuals affected with ZNF469-related conditions. Algorithms developed to predict the effect of missense changes on protein structure and function output the following: SIFT: "Deleterious"; PolyPhen-2: "Benign"; Align-GVGD: "Class C0". The valine amino acid residue is found in multiple mammalian species, which suggests that this missense change does not adversely affect protein function. In summary, the available evidence is currently insufficient to determine the role of this variant in disease. Therefore, it has been classified as a Variant of Uncertain Significance.